The following is an entry in ClinVar:

NM_001037.5(SCN1B):c.373C>T (p.Arg125Cys)

Gene: SCN1B (sodium voltage-gated channel beta subunit 1; plus strand). Cytogenetic location: 19q13.11.
Variant type: single nucleotide variant.
Coding change: c.373C>T on transcript NM_001037.5 (MANE Select); coding-DNA position 373, C replaced by T.
Protein change: p.Arg125Cys; replaces arginine 125 with cysteine.
Molecular consequence: missense variant.
Genome position (GRCh38, 1-based): chr19:35,033,664, C>T. VCF-style: chr19-35033664-C-T. GRCh37 (hg19) VCF-style: chr19-35524568-C-T.
Other names: c.274C>T, p.Arg92Cys (NM_001321605.2); c.373C>T, p.Arg125Cys (NM_199037.5); short protein forms R125C, R92C.
Identifiers: ClinVar variation 375686 (VCV000375686.24), dbSNP rs1135401736, ClinGen allele CA405328895.

ClinVar aggregate classification (germline): Conflicting classifications of pathogenicity. Review status: criteria provided, conflicting classifications (1 of 4 stars). 8 submissions from 8 submitters: Pathogenic (2); Likely pathogenic (2); Uncertain significance (2); Likely benign (1). 1 of the submissions does not count toward it. Last evaluated 2026-09-01.

Conditions:
Seizure. Also called: Seizures. Identifiers: MedGen C0036572, HP:0001250.
Developmental and epileptic encephalopathy, 52 (DEE52). Also called: Epileptic encephalopathy, early infantile, 52. Identifiers: MedGen C4479236, MONDO:0033361, OMIM 617350.
SCN1B-related disorder. Also called: SCN1B-related condition; SCN1B-Related Disorders.
Atrial fibrillation, familial, 13 (ATFB13). Identifiers: MedGen C3809311, MONDO:0014155, OMIM 615377.
Brugada syndrome 5 (BRGDA5). Identifiers: Orphanet 130, Orphanet 871, MedGen C2748541, MONDO:0013015, OMIM 612838.
Generalized epilepsy with febrile seizures plus, type 1 (GEFSP1). Also called: GEFS+, TYPE 1. Identifiers: Orphanet 36387, MedGen C1858672, MONDO:0011416, OMIM 604233.

Allele frequency attached by ClinVar (database versions not stated): TOPMed below 0.00001; gnomAD 0.00001.
gnomAD v4.1: 3 of 1,614,064 alleles (0.00019%); highest among the groups gnomAD compares: Admixed American, 0.0017%; no homozygotes.

Submissions (8):

GeneDx
Classification: Pathogenic. Last evaluated: 2026-09-01. Review status: criteria provided, single submitter. Criteria: GeneDx Variant Classification Process June 2021. Collection method: clinical testing. Allele origin: germline.
Comment: Segregates with disease in heterozygous individuals with epilepsy from a single family referred for genetic testing at GeneDx, and also identified in the heterozygous state in other unrelated individuals with febrile, focal, and generalized seizures; Published functional studies demonstrate decreased cell surface expression and decreased sodium current density in the homozygous state (PMID: 19710327); In silico analysis supports that this missense variant has a deleterious effect on protein structure/function; Not observed at significant frequency in large population cohorts (gnomAD); This variant is associated with the following publications: (PMID: 27586289, 23934645, 26042039, 29307654, 24737232, 21040232, 23148524, 21463283, 28681755, 28927993, 28965169, 20375142, 23182416, 36291443, Pugliese2023[article], 35359639, 19710327, 39582593, 39787995)

PreventionGenetics, part of Exact Sciences
Classification: Uncertain significance for SCN1B-related condition. Last evaluated: 2026-06-04. Review status: criteria provided, single submitter. Criteria: ACMG Guidelines, 2015. Collection method: clinical testing. Allele origin: germline.
Comment: The SCN1B c.373C>T variant is predicted to result in the amino acid substitution p.Arg125Cys. This variant has been reported in the homozygous state in at least two individuals with severe myoclonic epilepsy of infancy (also known as Dravet syndrome) (Patino et al. 2009. PubMed ID: 19710327; Mukherjee et al. 2017. PubMed ID: 28681755). This variant has also been reported in an individual with infantile onset epilepsy; however, the zygosity was not readily available (Table S1, Shim et al. 2025. PubMed ID: 39787995). Functional studies suggest that in the homozygous state, this variant results in a null phenotype primarily due to impaired cell surface trafficking (Patino et al. 2009. PubMed ID: 19710327). This variant is reported in 0.12% of alleles in individuals of Latino descent in gnomAD and has conflicting interpretations in ClinVar ranging from likely benign to pathogenic (Variation ID: 375686). Although we suspect that this variant may be pathogenic for autosomal recessive disease, at this time, the clinical significance remains uncertain due to insufficient functional and genetic evidence. Its clinical significance in relation to autosomal dominant SCN1B-associated disorders is uncertain.

Labcorp Genetics (formerly Invitae), Labcorp
Classification: Uncertain significance for Brugada syndrome 5. Last evaluated: 2025-12-08. Review status: criteria provided, single submitter. Criteria: Invitae Variant Classification Sherloc (09022015). Collection method: clinical testing. Allele origin: germline.
Comment: This sequence change replaces arginine, which is basic and polar, with cysteine, which is neutral and slightly polar, at codon 125 of the SCN1B protein (p.Arg125Cys). This variant is present in population databases (no rsID available, gnomAD 0.1%). This missense change has been observed in individuals with autosomal dominant SCN1B-related conditions and/or autosomal recessive SCN1B-related conditions (PMID: 19710327, 28681755, 39787995). ClinVar contains an entry for this variant (Variation ID: 375686). An algorithm developed to predict the effect of missense changes on protein structure and function (PolyPhen-2) suggests that this variant is likely to be disruptive. Experimental studies have shown that this missense change affects SCN1B function (PMID: 19710327). This variant disrupts the p.Arg125 amino acid residue in SCN1B. Other variant(s) that disrupt this residue have been observed in individuals with SCN1B-related conditions (internal data), which suggests that this may be a clinically significant amino acid residue. In summary, the available evidence is currently insufficient to determine the role of this variant in disease. Therefore, it has been classified as a Variant of Uncertain Significance.

Revvity Omics, Revvity
Classification: Likely pathogenic. Last evaluated: 2023-11-20. Review status: criteria provided, single submitter. Criteria: ACMG Guidelines, 2015. Collection method: clinical testing. Allele origin: germline.

Institute of Immunology and Genetics Kaiserslautern
Classification: Pathogenic for Developmental and epileptic encephalopathy, 52. Last evaluated: 2023-02-28. Review status: criteria provided, single submitter. Criteria: ACMG Guidelines, 2015. Collection method: clinical testing. Allele origin: germline. Affected: yes.
Comment: ACMG Criteria: PS3, PM2, PM5, PP3, PP5; Variant was found in homozygous state.

Cytogénomique, Hospices Civils de Lyon
Classification: Likely benign for Seizure. Last evaluated: 2021-11-25. Review status: criteria provided, single submitter. Criteria: ACMG Guidelines, 2015. Collection method: clinical testing. Allele origin: paternal. Inheritance: Autosomal dominant inheritance. Affected: yes. Observed: 1 variant allele, 1 heterozygote.

Center for Genomics, Ann and Robert H. Lurie Children's Hospital of Chicago
Classification: Likely pathogenic for Generalized epilepsy with febrile seizures plus, type 1; Developmental and epileptic encephalopathy, 52; Brugada syndrome 5; Atrial fibrillation, familial, 13. Review status: criteria provided, single submitter. Criteria: ACMG Guidelines, 2015. Collection method: clinical testing. Allele origin: germline.
Comment: This variant has been reported in the literature in the homozygous state in two individuals with epilepsy and other features suggestive of Dravet syndrome (Patino 2009 PMID: 19710327; Mukherjee 2017 PMID: 28681755). It has also been identified in the heterozygous state in two unrelated individuals with epilepsy at an external laboratory, segregating with disease in similarly affected family members in one family (GeneDx; ClinVar Variation ID: 375686); personal communication). This variant is present in the Genome Aggregation Database (Highest reported MAF: 0.007% [1/15280]), and in ClinVar, with classifications ranging from likely pathogenic to likely benign (Variation ID: 375686). In vitro functional studies suggest that this variant impacts sodium channel activity and cell surface protein expression (Patino 2009 PMID: 19710327); however, these studies may not accurately represent in vivo biological function. Evolutionary conservation and computational predictive tools support that this variant may impact the protein. In summary, data on this variant is highly suspicious for disease, but requires further evidence for pathogenicity. Therefore, this variant is classified as likely pathogenic.

OMIM
Classification: Pathogenic for DEVELOPMENTAL AND EPILEPTIC ENCEPHALOPATHY 52. Last evaluated: 2020-10-09. Review status: no assertion criteria provided. Collection method: literature only. Allele origin: germline. Not counted in ClinVar's aggregate classification.

Literature cited by the submitters: PubMed 19710327 (cited by Labcorp Genetics (formerly Invitae), Labcorp and OMIM); PubMed 28681755 (cited by Labcorp Genetics (formerly Invitae), Labcorp); PubMed 39787995 (cited by Labcorp Genetics (formerly Invitae), Labcorp).